The following is an entry in ClinVar:

ClinVar aggregate classification (germline): Uncertain significance (1 of 4 stars; one submission).

Allele frequency attached by ClinVar (database versions not stated): gnomAD exomes below 0.00001 and 0.00001; ExAC 0.00002; gnomAD 0.00002 and 0.00003; TOPMed 0.00002; 1000 Genomes Project 0.00020; 1000 Genomes Project 30x 0.00031.
gnomAD v4.1: 7 of 1,613,942 alleles (0.00043%); highest among the groups gnomAD compares: African/African-American, 0.0093%; no homozygotes.

Submission:

GeneDx
Classification: Uncertain significance. Last evaluated: 2019-11-06. Review status: criteria provided, single submitter. Criteria: GeneDx Variant Classification Process June 2021. Collection method: clinical testing. Allele origin: germline. Affected: yes.
Comment: In silico analysis, which includes protein predictors and evolutionary conservation, supports that this variant does not alter protein structure/function; Has not been previously published as pathogenic or benign to our knowledge

NM_004268.5(MED17):c.1090C>G (p.Pro364Ala)

Gene: MED17 (mediator complex subunit 17; plus strand). Cytogenetic location: 11q21.
Variant type: single nucleotide variant.
Coding change: c.1090C>G on transcript NM_004268.5 (MANE Select); coding-DNA position 1090, C replaced by G.
Protein change: p.Pro364Ala; replaces proline 364 with alanine.
Molecular consequence: missense variant.
Genome position (GRCh38, 1-based): chr11:93,796,487, C>G. VCF-style: chr11-93796487-C-G. GRCh37 (hg19) VCF-style: chr11-93529653-C-G.
Other names: short protein forms P364A.
Identifiers: ClinVar variation 1310168 (VCV001310168.2), dbSNP rs542312413, ClinGen allele CA6232521.